The following is an entry in ClinVar:

NM_001370466.1(NOD2):c.1693G>A (p.Val565Met)

Gene: NOD2 (nucleotide binding oligomerization domain containing 2; plus strand). Cytogenetic location: 16q12.1.
Variant type: single nucleotide variant.
Coding change: c.1693G>A on transcript NM_001370466.1 (MANE Select); coding-DNA position 1693, G replaced by A.
Protein change: p.Val565Met; replaces valine 565 with methionine.
Molecular consequence: missense variant. On other transcripts: non-coding transcript variant (1).
Genome position (GRCh38, 1-based): chr16:50,711,685, G>A. VCF-style: chr16-50711685-G-A. GRCh37 (hg19) VCF-style: chr16-50745596-G-A.
Other names: c.1693G>A, p.Val565Met (NM_001293557.2); c.1774G>A, p.Val592Met (NM_022162.3); short protein forms V592M, V565M.
Identifiers: ClinVar variation 791750 (VCV000791750.39), dbSNP rs148683734, ClinGen allele CA8051623.

ClinVar aggregate classification (germline): Conflicting classifications of pathogenicity. Review status: criteria provided, conflicting classifications (1 of 4 stars). 5 submissions from 5 submitters: Uncertain significance (1); Benign (1); Likely benign (3). Last evaluated 2026-01-27.

Conditions:
Autoinflammatory syndrome. Identifiers: Orphanet 93665, MedGen C3890737, MONDO:0019751.
Blau syndrome (BLAUS). Also called: GRANULOMATOSIS, FAMILIAL JUVENILE SYSTEMIC; GRANULOMATOSIS, FAMILIAL, BLAU TYPE; GRANULOMATOUS INFLAMMATORY ARTHRITIS, DERMATITIS, AND UVEITIS, FAMILIAL; JABS SYNDROME; ARTHROCUTANEOUVEAL GRANULOMATOSIS. Identifiers: Orphanet 90340, MedGen C5201146, MONDO:0008523, OMIM 186580.
Regional enteritis. Also called: Enteritis, Granulomatous. Identifiers: MedGen C0678202, MeSH D003424.

Allele frequency attached by ClinVar (database versions not stated): gnomAD exomes 0.00013; ExAC 0.00014; gnomAD 0.00041 and 0.00042; ESP Exome Variant Server 0.00046; TOPMed 0.00049; 1000 Genomes Project 0.00120; 1000 Genomes Project 30x 0.00172.
gnomAD v4.1: 164 of 1,613,718 alleles (0.01%); highest among the groups gnomAD compares: African/African-American, 0.12%; no homozygotes.

Submissions (5):

Labcorp Genetics (formerly Invitae), Labcorp
Classification: Likely benign for Regional enteritis; Blau syndrome. Last evaluated: 2026-01-27. Review status: criteria provided, single submitter. Criteria: Invitae Variant Classification Sherloc (09022015). Collection method: clinical testing. Allele origin: germline.

Blueprint Genetics
Classification: Likely benign. Last evaluated: 2024-11-18. Review status: criteria provided, single submitter. Criteria: ACMG Guidelines, 2015. Collection method: clinical testing. Allele origin: germline.

ARUP Laboratories, Molecular Genetics and Genomics, ARUP Laboratories
Classification: Likely benign. Last evaluated: 2023-05-08. Review status: criteria provided, single submitter. Criteria: ARUP Molecular Germline Variant Investigation Process 2024. Collection method: clinical testing. Allele origin: germline.

CeGaT Center for Human Genetics Tuebingen
Classification: Benign. Last evaluated: 2022-05-01. Review status: criteria provided, single submitter. Criteria: CeGaT Center For Human Genetics Tuebingen Variant Classification Criteria Version 2. Collection method: clinical testing. Allele origin: germline. Affected: yes. Observed: 1 variant allele.
Comment: NOD2: BS1, BS2

Genome Diagnostics Laboratory, The Hospital for Sick Children
Classification: Uncertain significance for Autoinflammatory syndrome. Last evaluated: 2019-04-01. Review status: criteria provided, single submitter. Criteria: ACMG Guidelines, 2015. Collection method: clinical testing. Allele origin: germline. Affected: yes.